The following is an entry in ClinVar:

ClinVar aggregate classification (germline): Likely pathogenic. Review status: criteria provided, multiple submitters, no conflicts (2 of 4 stars). 2 submissions from 2 submitters: Likely pathogenic (2). Last evaluated 2025-03-31.

Conditions:
Argininosuccinate lyase deficiency. Also called: ARGININOSUCCINIC ACID LYASE DEFICIENCY; ASL DEFICIENCY; Argininosuccinic aciduria. Identifiers: Orphanet 23, MedGen C0268547, MONDO:0008815, OMIM 207900, HP:0025630.

Submissions (2):

3billion
Classification: Likely pathogenic for Argininosuccinate lyase deficiency. Last evaluated: 2025-03-31. Review status: criteria provided, single submitter. Criteria: ACMG Guidelines, 2015. Collection method: clinical testing. Allele origin: germline. Affected: yes.

Labcorp Genetics (formerly Invitae), Labcorp
Classification: Likely pathogenic for Argininosuccinate lyase deficiency. Last evaluated: 2023-07-28. Review status: criteria provided, single submitter. Criteria: Invitae Variant Classification Sherloc (09022015). Collection method: clinical testing. Allele origin: germline.
Comment: In summary, the currently available evidence indicates that the variant is pathogenic, but additional data are needed to prove that conclusively. Therefore, this variant has been classified as Likely Pathogenic. This variant disrupts the p.Arg182 amino acid residue in ASL. Other variant(s) that disrupt this residue have been determined to be pathogenic (PMID: 19703900, 24166829; Invitae). This suggests that this residue is clinically significant, and that variants that disrupt this residue are likely to be disease-causing. Advanced modeling of protein sequence and biophysical properties (such as structural, functional, and spatial information, amino acid conservation, physicochemical variation, residue mobility, and thermodynamic stability) performed at Invitae indicates that this missense variant is expected to disrupt ASL protein function. This missense change has been observed in individual(s) with a positive newborn screening result for ASL-related disease (Invitae). This variant is not present in population databases (gnomAD no frequency). This sequence change replaces arginine, which is basic and polar, with proline, which is neutral and non-polar, at codon 182 of the ASL protein (p.Arg182Pro).

Literature cited by the submitters: PubMed 12384776 (cited by 3billion); PubMed 19703900 (cited by Labcorp Genetics (formerly Invitae), Labcorp); PubMed 24166829 (cited by Labcorp Genetics (formerly Invitae), Labcorp).

NM_000048.4(ASL):c.545G>C (p.Arg182Pro)

Gene: ASL (argininosuccinate lyase; plus strand). Cytogenetic location: 7q11.21.
Variant type: single nucleotide variant.
Coding change: c.545G>C on transcript NM_000048.4 (MANE Select); coding-DNA position 545, G replaced by C.
Protein change: p.Arg182Pro; replaces arginine 182 with proline.
Molecular consequence: missense variant. On other transcripts: intron variant (1).
Genome position (GRCh38, 1-based): chr7:66,086,764, G>C. VCF-style: chr7-66086764-G-C. GRCh37 (hg19) VCF-style: chr7-65551751-G-C.
Other names: c.524+102G>C (NM_001024946.2); c.545G>C, p.Arg182Pro (NM_001024943.2, NM_001024944.2); short protein forms R182P.
Identifiers: ClinVar variation 2747788 (VCV002747788.4), dbSNP rs751590073, ClinGen allele CA367642480.